The following is an entry in ClinVar:

ClinVar aggregate classification (germline): Uncertain significance (1 of 4 stars; one submission).

Allele frequency attached by ClinVar (database versions not stated): TOPMed below 0.00001.

Submission:

Mayo Clinic Laboratories, Mayo Clinic
Classification: Uncertain significance. Last evaluated: 2023-01-13. Review status: criteria provided, single submitter. Criteria: ACMG Guidelines, 2015. Collection method: clinical testing. Allele origin: germline. Observed: 1 variant allele.
Comment: BP4, PM2

NM_004817.4(TJP2):c.1360G>A (p.Ala454Thr)

Gene: TJP2 (tight junction protein 2; plus strand). Cytogenetic location: 9q21.11.
Variant type: single nucleotide variant.
Coding change: c.1360G>A on transcript NM_004817.4 (MANE Select); coding-DNA position 1360, G replaced by A.
Protein change: p.Ala454Thr; replaces alanine 454 with threonine.
Molecular consequence: missense variant.
Genome position (GRCh38, 1-based): chr9:69,228,021, G>A. VCF-style: chr9-69228021-G-A. GRCh37 (hg19) VCF-style: chr9-71842937-G-A.
Other names: p.Ala454Thr; c.1291G>A, p.Ala431Thr (NM_001170414.2, NM_001369871.1); c.1372G>A, p.Ala458Thr (NM_001170415.1, NM_001369874.1, NM_001369875.1); c.1453G>A, p.Ala485Thr (NM_001170416.2); c.1285G>A, p.Ala429Thr (NM_001369870.1); c.1360G>A, p.Ala454Thr (NM_001369872.1, NM_001369873.1, NM_201629.3); short protein forms A429T, A431T, A454T, A458T, A485T.
Identifiers: ClinVar variation 2683045 (VCV002683045.1), dbSNP rs1471061304, ClinGen allele CA373531318.
Genomic context (GRCh38, chr9:69,228,021, plus strand): 5'-ACGTATGACATGTGATTCAGTTCCAGAGAGGACACGCCGAGCAGATTGTCCAGGATGGGT[G>A]CGACACCCACTCCCTTTAAGTCCACAGGGGATATTGCAGGCACAGTTGTCCCAGAGACCA-3'
Protein context (NP_004808.2, residues 444-464): DTPSRLSRMG[Ala454Thr]TPTPFKSTGD